The following is an entry in ClinVar:

NM_014806.5(RUSC2):c.258T>C (p.Ser86=)

Gene: RUSC2 (RUN and SH3 domain containing 2; plus strand). Cytogenetic location: 9p13.3.
Variant type: single nucleotide variant.
Coding change: c.258T>C on transcript NM_014806.5 (MANE Select); coding-DNA position 258, T replaced by C.
Protein change: p.Ser86=; no amino-acid change (serine 86 retained).
Molecular consequence: synonymous variant. On other transcripts: non-coding transcript variant (1), intron variant (1).
Genome position (GRCh38, 1-based): chr9:35,546,779, T>C. VCF-style: chr9-35546779-T-C. GRCh37 (hg19) VCF-style: chr9-35546776-T-C.
Other names: c.258T>C, p.Ser86= (NM_001135999.2); c.-620-8281T>C (NM_001330740.2).
Identifiers: ClinVar variation 3058679 (VCV003058679.2), dbSNP rs769324060, ClinGen allele CA5043428.

ClinVar aggregate classification (germline): Likely benign (0 of 4 stars; one submission).

Conditions:
RUSC2-related disorder. Also called: RUSC2-related condition.

Allele frequency attached by ClinVar (database versions not stated): ExAC 0.00001; gnomAD exomes 0.00001.
gnomAD v4.1: 9 of 1,605,996 alleles (0.00056%); highest among the groups gnomAD compares: South Asian, 0.009%; no homozygotes.

Submission:

PreventionGenetics, part of Exact Sciences
Classification: Likely benign for RUSC2-related condition. Last evaluated: 2019-04-05. Review status: no assertion criteria provided. Collection method: clinical testing. Allele origin: germline.
Comment: This variant is classified as likely benign based on ACMG/AMP sequence variant interpretation guidelines (Richards et al. 2015 PMID: 25741868, with internal and published modifications).